The following is an entry in ClinVar:

NM_007126.5(VCP):c.1837A>G (p.Thr613Ala)

Gene: VCP (valosin containing protein; minus strand). Cytogenetic location: 9p13.3.
Variant type: single nucleotide variant.
Coding change: c.1837A>G on transcript NM_007126.5 (MANE Select); coding-DNA position 1837, A replaced by G.
Protein change: p.Thr613Ala; replaces threonine 613 with alanine.
Molecular consequence: missense variant.
Genome position (GRCh38, 1-based): chr9:35,059,660, T>C on the plus strand (A>G on the coding strand, the complement: VCP is on the minus strand). VCF-style: chr9-35059660-T-C. GRCh37 (hg19) VCF-style: chr9-35059657-T-C.
Other names: c.1702A>G, p.Thr568Ala (NM_001354927.2, NM_001354928.2); short protein forms T613A, T568A.
Identifiers: ClinVar variation 1509783 (VCV001509783.6), dbSNP rs2131029426, ClinGen allele CA373275959.
Genomic context (GRCh38, chr9:35,059,660, plus strand): 5'-TGGCAGGATCAATGATGTCAGGCCGGTTGGTAGCGCCAATGATGAACACATTTTTTTTTG[T>C]GGACATGCCATCCATTTCTGTCAGGATCTGGTTGATGACTCGGTCAGCAGCCCCACCACC-3'
Protein context (NP_009057.1, residues 603-623): QILTEMDGMS[Thr613Ala]KKNVFIIGAT

ClinVar aggregate classification (germline): Uncertain significance (1 of 4 stars; one submission).

Conditions:
Inclusion body myopathy with Paget disease of bone and frontotemporal dementia. Also called: Inclusion body myopathy with early-onset Paget disease and frontotemporal dementia. Identifiers: Orphanet 52430, MedGen C1833662, MONDO:0000507.
Frontotemporal dementia and/or amyotrophic lateral sclerosis 6 (FTDALS6). Also called: VCP-Related Amyotrophic Lateral Sclerosis; VCP-Related Amyotrophic Lateral Sclerosis/Frontotemporal Dementia. Identifiers: Orphanet 275872, Orphanet 803, MedGen C5436279, MONDO:0013501, OMIM 613954.

Submission:

Labcorp Genetics (formerly Invitae), Labcorp
Classification: Uncertain significance for Inclusion body myopathy with Paget disease of bone and frontotemporal dementia; Frontotemporal dementia and/or amyotrophic lateral sclerosis 6. Last evaluated: 2021-08-03. Review status: criteria provided, single submitter. Criteria: Invitae Variant Classification Sherloc (09022015). Collection method: clinical testing. Allele origin: germline.
Comment: This sequence change replaces threonine with alanine at codon 613 of the VCP protein (p.Thr613Ala). The threonine residue is moderately conserved and there is a small physicochemical difference between threonine and alanine. In summary, the available evidence is currently insufficient to determine the role of this variant in disease. Therefore, it has been classified as a Variant of Uncertain Significance. Advanced modeling of protein sequence and biophysical properties (such as structural, functional, and spatial information, amino acid conservation, physicochemical variation, residue mobility, and thermodynamic stability) performed at Invitae indicates that this missense variant is not expected to disrupt VCP protein function. This variant has not been reported in the literature in individuals affected with VCP-related conditions. This variant is not present in population databases (ExAC no frequency).